The following is an entry in ClinVar:

NM_006031.6(PCNT):c.4436A>C (p.Gln1479Pro)

Gene: PCNT (pericentrin; plus strand). Cytogenetic location: 21q22.3.
Variant type: single nucleotide variant.
Coding change: c.4436A>C on transcript NM_006031.6 (MANE Select); coding-DNA position 4436, A replaced by C.
Protein change: p.Gln1479Pro; replaces glutamine 1479 with proline.
Molecular consequence: missense variant.
Genome position (GRCh38, 1-based): chr21:46,397,484, A>C. VCF-style: chr21-46397484-A-C. GRCh37 (hg19) VCF-style: chr21-47817398-A-C.
Other names: c.4082A>C, p.Gln1361Pro (NM_001315529.2); short protein forms Q1361P, Q1479P.
Identifiers: ClinVar variation 1967767 (VCV001967767.5), dbSNP rs1331702590, ClinGen allele CA410579073.

ClinVar aggregate classification (germline): Uncertain significance (1 of 4 stars; one submission).

Allele frequency attached by ClinVar (database versions not stated): gnomAD exomes below 0.00001.
gnomAD v4.1: 1 of 1,613,396 alleles (0.000062%); highest among the groups gnomAD compares: East Asian, 0.0022%; no homozygotes.

Submission:

Labcorp Genetics (formerly Invitae), Labcorp
Classification: Uncertain significance. Last evaluated: 2022-02-23. Review status: criteria provided, single submitter. Criteria: Invitae Variant Classification Sherloc (09022015). Collection method: clinical testing. Allele origin: germline.
Comment: This sequence change replaces glutamine, which is neutral and polar, with proline, which is neutral and non-polar, at codon 1479 of the PCNT protein (p.Gln1479Pro). This variant is present in population databases (no rsID available, gnomAD 0.006%). This variant has not been reported in the literature in individuals affected with PCNT-related conditions. Algorithms developed to predict the effect of missense changes on protein structure and function (SIFT, PolyPhen-2, Align-GVGD) all suggest that this variant is likely to be disruptive. In summary, the available evidence is currently insufficient to determine the role of this variant in disease. Therefore, it has been classified as a Variant of Uncertain Significance.